The following is an entry in ClinVar:

NM_018714.3(COG1):c.2575C>T (p.Pro859Ser)

Gene: COG1 (component of oligomeric golgi complex 1; plus strand). Cytogenetic location: 17q25.1.
Variant type: single nucleotide variant.
Coding change: c.2575C>T on transcript NM_018714.3 (MANE Select); coding-DNA position 2575, C replaced by T.
Protein change: p.Pro859Ser; replaces proline 859 with serine.
Molecular consequence: missense variant.
Genome position (GRCh38, 1-based): chr17:73,206,218, C>T. VCF-style: chr17-73206218-C-T. GRCh37 (hg19) VCF-style: chr17-71202357-C-T.
Other names: c.2575C>T (NM_018714.2); short protein forms P859S.
Identifiers: ClinVar variation 1487055 (VCV001487055.7), dbSNP rs2145105028, ClinGen allele CA400896570.
Genomic context (GRCh38, chr17:73,206,218, plus strand): 5'-GAGAAAGTGACTGACCACCTGGAAGCCCTCATTGATCCATTTGACCTGGACGTTTTCACG[C>T]CACACCTCAACAGCAACCTTCATCGCCTGGTGCAGCGAACTTCTGTGAGTCAAATCAAAA-3'
Protein context (NP_061184.1, residues 849-869): IDPFDLDVFT[Pro859Ser]HLNSNLHRLV

ClinVar aggregate classification (germline): Uncertain significance. Review status: criteria provided, multiple submitters, no conflicts (2 of 4 stars). 2 submissions from 2 submitters: Uncertain significance (2). Last evaluated 2025-01-16.

Conditions:
COG1 congenital disorder of glycosylation (CDG2G). Also called: CONGENITAL DISORDER OF GLYCOSYLATION, TYPE IIg; CDG IIg; CDGII/COG1 CEREBROCOSTOMANDIBULAR-LIKE SYNDROME. Identifiers: Orphanet 263508, MedGen C2931011, MONDO:0012637, OMIM 611209.
Inborn genetic diseases. Identifiers: MedGen C0950123, MeSH D030342.

Submissions (2):

Ambry Genetics
Classification: Uncertain significance for Inborn genetic diseases. Last evaluated: 2025-01-16. Review status: criteria provided, single submitter. Criteria: Ambry Variant Classification Scheme 2023. Collection method: clinical testing. Allele origin: germline.

Labcorp Genetics (formerly Invitae), Labcorp
Classification: Uncertain significance for COG1 congenital disorder of glycosylation. Last evaluated: 2022-02-10. Review status: criteria provided, single submitter. Criteria: Invitae Variant Classification Sherloc (09022015). Collection method: clinical testing. Allele origin: germline.
Comment: This variant has not been reported in the literature in individuals affected with COG1-related conditions. This variant is not present in population databases (gnomAD no frequency). This sequence change replaces proline, which is neutral and non-polar, with serine, which is neutral and polar, at codon 859 of the COG1 protein (p.Pro859Ser). In summary, the available evidence is currently insufficient to determine the role of this variant in disease. Therefore, it has been classified as a Variant of Uncertain Significance. Algorithms developed to predict the effect of missense changes on protein structure and function are either unavailable or do not agree on the potential impact of this missense change (SIFT: "Deleterious"; PolyPhen-2: "Probably Damaging"; Align-GVGD: "Class C0").